The following is an entry in ClinVar:

NM_198239.2(CCN6):c.77C>T (p.Pro26Leu)

Gene: CCN6 (cellular communication network factor 6; plus strand). Cytogenetic location: 6q21.
Variant type: single nucleotide variant.
Coding change: c.77C>T on transcript NM_198239.2 (MANE Select); coding-DNA position 77, C replaced by T.
Protein change: p.Pro26Leu; replaces proline 26 with leucine.
Molecular consequence: missense variant. On other transcripts: non-coding transcript variant (2).
Genome position (GRCh38, 1-based): chr6:112,061,019, C>T. VCF-style: chr6-112061019-C-T. GRCh37 (hg19) VCF-style: chr6-112382222-C-T.
Other names: c.77C>T, p.Pro26Leu (NM_003880.4); short protein forms P26L.
Identifiers: ClinVar variation 355057 (VCV000355057.47), dbSNP rs149609367, ClinGen allele CA3963906.

ClinVar aggregate classification (germline): Conflicting classifications of pathogenicity. Review status: criteria provided, conflicting classifications (1 of 4 stars). 9 submissions from 9 submitters: Uncertain significance (1); Likely benign (7). 1 of the submissions does not count toward it. Last evaluated 2026-07-01.

Conditions:
Progressive pseudorheumatoid dysplasia (PPRD). Also called: SPONDYLOEPIPHYSEAL DYSPLASIA TARDA WITH PROGRESSIVE ARTHROPATHY; Progressive Pseudorheumatoid Arthropathy of Childhood. Identifiers: Orphanet 1159, MedGen C0432215, MONDO:0008827, OMIM 208230. Disease mechanism: loss of function.
CCN6-related disorder. Also called: CCN6-related condition.
Inborn genetic diseases. Identifiers: MedGen C0950123, MeSH D030342.

Allele frequency attached by ClinVar (database versions not stated): 1000 Genomes Project 0.00020; 1000 Genomes Project 30x 0.00031; TOPMed 0.00192; gnomAD exomes 0.00196 and 0.00300; ExAC 0.00199; gnomAD 0.00205 and 0.00210; ESP Exome Variant Server 0.00346.
gnomAD v4.1: 4,702 of 1,614,028 alleles (0.29%); highest among the groups gnomAD compares: Middle Eastern, 0.51%; 6 homozygotes.

Submissions (9):

CeGaT Center for Human Genetics Tuebingen
Classification: Likely benign. Last evaluated: 2026-07-01. Review status: criteria provided, single submitter. Criteria: CeGaT Center For Human Genetics Tuebingen Variant Classification Criteria Version 2. Collection method: clinical testing. Allele origin: germline. Affected: yes. Observed: 4 variant alleles.
Comment: CCN6: BP4

Labcorp Genetics (formerly Invitae), Labcorp
Classification: Likely benign. Last evaluated: 2026-02-04. Review status: criteria provided, single submitter. Criteria: Invitae Variant Classification Sherloc (09022015). Collection method: clinical testing. Allele origin: germline.

Blueprint Genetics
Classification: Likely benign. Last evaluated: 2024-11-25. Review status: criteria provided, single submitter. Criteria: ACMG Guidelines, 2015. Collection method: clinical testing. Allele origin: germline.

ARUP Laboratories, Molecular Genetics and Genomics, ARUP Laboratories
Classification: Likely benign for Progressive pseudorheumatoid dysplasia. Last evaluated: 2024-07-22. Review status: criteria provided, single submitter. Criteria: ARUP Molecular Germline Variant Investigation Process 2024. Collection method: clinical testing. Allele origin: germline.

Ambry Genetics
Classification: Uncertain significance for Inborn genetic diseases. Last evaluated: 2021-07-09. Review status: criteria provided, single submitter. Criteria: Ambry Variant Classification Scheme 2023. Collection method: clinical testing. Allele origin: germline.

Illumina Laboratory Services, Illumina
Classification: Likely benign for Progressive pseudorheumatoid dysplasia. Last evaluated: 2018-01-12. Review status: criteria provided, single submitter. Criteria: ICSL Variant Classification Criteria 13 December 2019. Collection method: clinical testing. Allele origin: germline.
Comment: This variant was observed in the ICSL laboratory as part of a predisposition screen in an ostensibly healthy population. It had not been previously curated by ICSL or reported in the Human Gene Mutation Database (HGMD: prior to June 1st, 2018), and was therefore a candidate for classification through an automated scoring system. Utilizing variant allele frequency, disease prevalence and penetrance estimates, and inheritance mode, an automated score was calculated to assess if this variant is too frequent to cause the disease. Based on the score and internal cut-off values, a variant classified as likely benign is not then subjected to further curation. The score for this variant resulted in a classification of likely benign for this disease.

Eurofins Ntd Llc (ga)
Classification: Likely benign. Last evaluated: 2017-07-11. Review status: criteria provided, single submitter. Criteria: EGL Classification Definitions 2015. Collection method: clinical testing. Allele origin: germline. Observed: 1 variant allele, 1 heterozygote.

Breakthrough Genomics
Classification: Likely benign. Review status: criteria provided, single submitter. Criteria: ACMG Guidelines, 2015. Collection method: not provided. Allele origin: germline. Inheritance: Autosomal recessive inheritance. Affected: yes.

PreventionGenetics, part of Exact Sciences
Classification: Likely benign for CCN6-related condition. Last evaluated: 2024-03-18. Review status: no assertion criteria provided. Collection method: clinical testing. Allele origin: germline. Not counted in ClinVar's aggregate classification.
Comment: This variant is classified as likely benign based on ACMG/AMP sequence variant interpretation guidelines (Richards et al. 2015 PMID: 25741868, with internal and published modifications).